The following is an entry in ClinVar:

ClinVar aggregate classification (germline): Likely benign (1 of 4 stars; one submission).

gnomAD v4.1: 1,343 of 1,528,420 alleles (0.088%); highest among the groups gnomAD compares: Non-Finnish European, 0.11%; 1 homozygote.

Submission:

Mayo Clinic Laboratories, Mayo Clinic
Classification: Likely benign. Last evaluated: 2025-09-15. Review status: criteria provided, single submitter. Criteria: ACMG Guidelines, 2015. Collection method: clinical testing. Allele origin: germline. Observed: 1 variant allele.
Comment: BP4, BP7, PM2_supporting

NM_000528.4(MAN2B1):c.2664+25G>A

Gene: MAN2B1 (mannosidase alpha class 2B member 1; minus strand). Cytogenetic location: 19p13.13.
Variant type: single nucleotide variant.
Coding change: c.2664+25G>A on transcript NM_000528.4 (MANE Select); 25 bases into the intron after coding-DNA position 2664, G replaced by A.
Molecular consequence: intron variant.
Genome position (GRCh38, 1-based): chr19:12,648,150, C>T on the plus strand (G>A on the coding strand, the complement: MAN2B1 is on the minus strand). VCF-style: chr19-12648150-C-T. GRCh37 (hg19) VCF-style: chr19-12758964-C-T.
Other names: p.?; c.2661+25G>A (NM_001173498.2); c.2667+25G>A (NM_001440570.1).
Identifiers: ClinVar variation 4684310 (VCV004684310.1).